The following is an entry in ClinVar:

ClinVar aggregate classification (germline): Uncertain significance. Review status: criteria provided, multiple submitters, no conflicts (2 of 4 stars). 5 submissions from 5 submitters: Uncertain significance (5). Last evaluated 2026-01-20.

Conditions:
Congenital myopathy with fiber type disproportion. Also called: Congenital fiber-type disproportion myopathy; Congenital fiber-type disproportion. Identifiers: Orphanet 2020, MedGen C0546264, MONDO:0009711. Inheritance: all.
Central core myopathy (CMYO1A). Also called: CONGENITAL MYOPATHY 1A, AUTOSOMAL DOMINANT, WITH SUSCEPTIBILITY TO MALIGNANT HYPERTHERMIA; Central core disease; Myopathy, central fibrillar. Identifiers: Orphanet 597, MedGen C5830701, MONDO:0007294, OMIM 117000.
King Denborough syndrome (KDS). Identifiers: MedGen C1840365, MONDO:0020485, OMIM 619542.
Congenital multicore myopathy with external ophthalmoplegia (CMYO1B). Also called: Minicore myopathy with external ophthalmoplegia; Congenital myopathy 1B, autosomal recessive; Minicore myopathy; MULTICORE MYOPATHY; MULTIMINICORE DISEASE WITH EXTERNAL OPHTHALMOPLEGIA. Identifiers: Orphanet 598, Orphanet 98905, MedGen C1850674, MONDO:0009712, OMIM 255320, HP:0003789.
Malignant hyperthermia, susceptibility to, 1 (MHS1). Also called: Malignant hyperthermia suceptibility 1; Anesthesia related hyperthermia; Malignant hyperpyrexia; Fulminating hyperpyrexia; Pharmacogenic myopathy; RYR1-Related Malignant Hyperthermia Susceptibility. Identifiers: Orphanet 423, MedGen C2930980, MONDO:0007783, OMIM 145600.
RYR1-related disorder. Also called: RYR1-related disorders; RYR1-related condition. Identifiers: MedGen CN239331.

Allele frequency attached by ClinVar (database versions not stated): TOPMed 0.00001; gnomAD 0.00003; gnomAD exomes 0.00005 and 0.00008; ExAC 0.00012.
gnomAD v4.1: 81 of 1,614,076 alleles (0.005%); highest among the groups gnomAD compares: Non-Finnish European, 0.0058%; no homozygotes.

Submissions (5):

Labcorp Genetics (formerly Invitae), Labcorp
Classification: Uncertain significance for RYR1-related disorder. Last evaluated: 2026-01-20. Review status: criteria provided, single submitter. Criteria: Invitae Variant Classification Sherloc (09022015). Collection method: clinical testing. Allele origin: germline.
Comment: This sequence change replaces arginine, which is basic and polar, with glutamine, which is neutral and polar, at codon 817 of the RYR1 protein (p.Arg817Gln). This variant is present in population databases (rs759902314, gnomAD 0.01%). This variant has not been reported in the literature in individuals affected with RYR1-related conditions. ClinVar contains an entry for this variant (Variation ID: 478214). Invitae Evidence Modeling of protein sequence and biophysical properties (such as structural, functional, and spatial information, amino acid conservation, physicochemical variation, residue mobility, and thermodynamic stability) indicates that this missense variant is not expected to disrupt RYR1 protein function with a negative predictive value of 80%. In summary, the available evidence is currently insufficient to determine the role of this variant in disease. Therefore, it has been classified as a Variant of Uncertain Significance.

All of Us Research Program, National Institutes of Health
Classification: Uncertain significance for Malignant hyperthermia, susceptibility to, 1. Last evaluated: 2024-04-16. Review status: criteria provided, single submitter. Criteria: ACMG Guidelines, 2015. Collection method: clinical testing. Allele origin: germline. Inheritance: Autosomal dominant inheritance. Observed: 8 variant alleles, 8 heterozygotes.
Comment: This missense variant replaces arginine with glutamine at codon 817 of the RYR1 protein. Computational prediction suggests that this variant may not impact protein structure and function (internally defined REVEL score threshold <= 0.5, PMID: 27666373). To our knowledge, functional studies have not been reported for this variant. This variant has not been reported in individuals affected with malignant hyperthermia in the literature. This variant has been identified in 21/282882 chromosomes in the general population by the Genome Aggregation Database (gnomAD). The available evidence is insufficient to determine the role of this variant in disease conclusively. Therefore, this variant is classified as a Variant of Uncertain Significance.

This study involves interpretation of variants in research participants for the purpose of population health screening. Participant phenotype was not available at the time of variant classification. Additional details can be found in publication PMID: 35346344, PMCID: PMC8962531

Color Diagnostics, LLC DBA Color Health
Classification: Uncertain significance for Malignant hyperthermia, susceptibility to, 1. Last evaluated: 2024-04-05. Review status: criteria provided, single submitter. Criteria: ACMG Guidelines, 2015. Collection method: clinical testing. Allele origin: germline.
Comment: This missense variant replaces arginine with glutamine at codon 817 of the RYR1 protein. Computational prediction suggests that this variant may not impact protein structure and function. To our knowledge, functional studies have not been reported for this variant. This variant has not been reported in individuals affected with malignant hyperthermia in the literature. This variant has been identified in 21/282882 chromosomes in the general population by the Genome Aggregation Database (gnomAD). The available evidence is insufficient to determine the role of this variant in disease conclusively. Therefore, this variant is classified as a Variant of Uncertain Significance.

CeGaT Center for Human Genetics Tuebingen
Classification: Uncertain significance. Last evaluated: 2022-10-01. Review status: criteria provided, single submitter. Criteria: CeGaT Center For Human Genetics Tuebingen Variant Classification Criteria Version 2. Collection method: clinical testing. Allele origin: germline. Affected: yes. Observed: 1 variant allele.
Comment: RYR1: PM2

Fulgent Genetics
Classification: Uncertain significance for Central core myopathy; Malignant hyperthermia, susceptibility to, 1; Congenital myopathy 4A, autosomal dominant; Congenital multicore myopathy with external ophthalmoplegia; King Denborough syndrome. Last evaluated: 2021-08-31. Review status: criteria provided, single submitter. Criteria: ACMG Guidelines, 2015. Collection method: clinical testing. Allele origin: unknown.

NM_000540.3(RYR1):c.2450G>A (p.Arg817Gln)

Gene: RYR1 (ryanodine receptor 1; plus strand). Cytogenetic location: 19q13.2.
Variant type: single nucleotide variant.
Coding change: c.2450G>A on transcript NM_000540.3 (MANE Select); coding-DNA position 2450, G replaced by A.
Protein change: p.Arg817Gln; replaces arginine 817 with glutamine.
Molecular consequence: missense variant.
Genome position (GRCh38, 1-based): chr19:38,460,464, G>A. VCF-style: chr19-38460464-G-A. GRCh37 (hg19) VCF-style: chr19-38951104-G-A.
Other names: c.2450G>A, p.Arg817Gln (NM_001042723.2); short protein forms R817Q.
Identifiers: ClinVar variation 478214 (VCV000478214.37), dbSNP rs759902314, ClinGen allele CA063254.